The following is an entry in ClinVar:

ClinVar aggregate classification (germline): Uncertain significance (1 of 4 stars; one submission).

Conditions:
Intellectual developmental disorder, autosomal dominant 6, with or without seizures. Also called: Intellectual disability, autosomal dominant 6; GRIN2B-related developmental delay, intellectual disability and autism spectrum disorder. Identifiers: Orphanet 589547, MedGen C3151411, MONDO:0013509, OMIM 613970.

Allele frequency attached by ClinVar (database versions not stated): TOPMed below 0.00001.

Submission:

Centre for Mendelian Genomics, University Medical Centre Ljubljana
Classification: Uncertain significance for Intellectual developmental disorder, autosomal dominant 6, with or without seizures. Last evaluated: 2018-10-12. Review status: criteria provided, single submitter. Criteria: ACMG Guidelines, 2015. Collection method: clinical testing. Allele origin: unknown. Affected: yes.
Comment: This variant was classified as: Uncertain significance. The available evidence on this variant's pathogenicity is insufficient or conflicting. The following ACMG criteria were applied in classifying this variant: PM2.

NM_000834.5(GRIN2B):c.7C>T (p.Pro3Ser)

Gene: GRIN2B (glutamate ionotropic receptor NMDA type subunit 2B; minus strand). Cytogenetic location: 12p13.1.
Variant type: single nucleotide variant.
Coding change: c.7C>T on transcript NM_000834.5 (MANE Select); coding-DNA position 7, C replaced by T.
Protein change: p.Pro3Ser; replaces proline 3 with serine.
Molecular consequence: missense variant.
Genome position (GRCh38, 1-based): chr12:13,866,202, G>A on the plus strand (C>T on the coding strand, the complement: GRIN2B is on the minus strand). VCF-style: chr12-13866202-G-A. GRCh37 (hg19) VCF-style: chr12-14019136-G-A.
Other names: short protein forms P3S.
Identifiers: ClinVar variation 930832 (VCV000930832.3), dbSNP rs1013552335, ClinGen allele CA233148024.